The following is an entry in ClinVar:

ClinVar aggregate classification (germline): Benign/Likely benign. Review status: criteria provided, multiple submitters, no conflicts (2 of 4 stars). 6 submissions from 6 submitters: Benign (2); Likely benign (2). 2 of the submissions do not count toward it. Last evaluated 2026-02-01.

Conditions:
H syndrome. Also called: Pigmented hypertrichosis and insulin-dependent diabetes mellitus; HISTIOCYTOSIS AND LYMPHADENOPATHY WITH OR WITHOUT CUTANEOUS, CARDIAC, AND/OR ENDOCRINE FEATURES, JOINT CONTRACTURES, AND/OR DEAFNESS; FAISALABAD HISTIOCYTOSIS; Histiocytosis with joint contractures and sensorineural deafness; Asrar Facharzt Haque syndrome; HYPERPIGMENTATION, CUTANEOUS, WITH HYPERTRICHOSIS, HEPATOSPLENOMEGALY, HEART ANOMALIES, AND HYPOGONADISM WITH OR WITHOUT HEARING LOSS. Identifiers: Orphanet 168569, MedGen C1864445, MONDO:0011273, OMIM 602782.

Allele frequency attached by ClinVar (database versions not stated): gnomAD exomes 0.00036 and 0.00104; ExAC 0.00117; ESP Exome Variant Server 0.00323; gnomAD 0.00368 and 0.00398; 1000 Genomes Project 0.00379; 1000 Genomes Project 30x 0.00390; TOPMed 0.00444.

Submissions (6):

Labcorp Genetics (formerly Invitae), Labcorp
Classification: Benign for H syndrome. Last evaluated: 2026-02-01. Review status: criteria provided, single submitter. Criteria: Invitae Variant Classification Sherloc (09022015). Collection method: clinical testing. Allele origin: germline.

Women's Health and Genetics/Laboratory Corporation of America, LabCorp
Classification: Likely benign. Last evaluated: 2026-01-23. Review status: criteria provided, single submitter. Criteria: LabCorp Variant Classification Summary - May 2015. Collection method: clinical testing. Allele origin: germline.

Mayo Clinic Laboratories, Mayo Clinic
Classification: Benign. Last evaluated: 2025-08-21. Review status: criteria provided, single submitter. Criteria: ACMG Guidelines, 2015. Collection method: clinical testing. Allele origin: germline. Observed: 2 variant alleles.
Comment: BA1, BP4, BP7

Blueprint Genetics
Classification: Likely benign. Last evaluated: 2024-10-08. Review status: criteria provided, single submitter. Criteria: ACMG Guidelines, 2015. Collection method: clinical testing. Allele origin: germline.

Clinical Genetics DNA and cytogenetics Diagnostics Lab, Erasmus MC, Erasmus Medical Center
Classification: Benign. Review status: no assertion criteria provided. Collection method: clinical testing. Allele origin: germline. Affected: yes. Study: VKGL Data-share Consensus. Not counted in ClinVar's aggregate classification.

Genome Diagnostics Laboratory, University Medical Center Utrecht
Classification: Likely benign. Review status: no assertion criteria provided. Collection method: clinical testing. Allele origin: germline. Affected: yes. Study: VKGL Data-share Consensus. Not counted in ClinVar's aggregate classification.

NM_018344.6(SLC29A3):c.618C>T (p.Ala206=)

Gene: SLC29A3 (solute carrier family 29 member 3; plus strand). Cytogenetic location: 10q22.1.
Variant type: single nucleotide variant.
Coding change: c.618C>T on transcript NM_018344.6 (MANE Select); coding-DNA position 618, C replaced by T.
Protein change: p.Ala206=; no amino-acid change (alanine 206 retained).
Molecular consequence: synonymous variant. On other transcripts: non-coding transcript variant (2).
Genome position (GRCh38, 1-based): chr10:71,356,088, C>T. VCF-style: chr10-71356088-C-T. GRCh37 (hg19) VCF-style: chr10-73115845-C-T.
Other names: p.Ala206=; c.618C>T, p.Ala206= (NM_001174098.2); c.384C>T, p.Ala128= (NM_001363518.2).
Identifiers: ClinVar variation 468352 (VCV000468352.17), dbSNP rs141413620, ClinGen allele CA5542999.